The following is an entry in ClinVar:

NM_006258.4(PRKG1):c.1447G>A (p.Val483Met)

Gene: PRKG1 (protein kinase cGMP-dependent 1; plus strand). Cytogenetic location: 10q21.1.
Variant type: single nucleotide variant.
Coding change: c.1447G>A on transcript NM_006258.4 (MANE Select); coding-DNA position 1447, G replaced by A.
Protein change: p.Val483Met; replaces valine 483 with methionine.
Molecular consequence: missense variant.
Genome position (GRCh38, 1-based): chr10:52,280,832, G>A. VCF-style: chr10-52280832-G-A. GRCh37 (hg19) VCF-style: chr10-54040592-G-A.
Other names: c.1402G>A, p.Val468Met (NM_001098512.3); c.238G>A, p.Val80Met (NM_001374781.1); short protein forms V483M, V80M, V468M.
Identifiers: ClinVar variation 4711452 (VCV004711452.1).

ClinVar aggregate classification (germline): Uncertain significance (1 of 4 stars; one submission).

Conditions:
Aortic aneurysm, familial thoracic 8 (AAT8). Identifiers: MedGen C3809513, MONDO:0014187, OMIM 615436.

gnomAD v4.1: 3 of 1,613,280 alleles (0.00019%); highest among the groups gnomAD compares: Non-Finnish European, 0.00025%; no homozygotes.

Submission:

Labcorp Genetics (formerly Invitae), Labcorp
Classification: Uncertain significance for Aortic aneurysm, familial thoracic 8. Last evaluated: 2026-01-27. Review status: criteria provided, single submitter. Criteria: Invitae Variant Classification Sherloc (09022015). Collection method: clinical testing. Allele origin: germline.
Comment: This sequence change replaces valine, which is neutral and non-polar, with methionine, which is neutral and non-polar, at codon 483 of the PRKG1 protein (p.Val483Met). This variant is not present in population databases (gnomAD no frequency). This variant has not been reported in the literature in individuals affected with PRKG1-related conditions. An algorithm developed to predict the effect of missense changes on protein structure and function (PolyPhen-2) suggests that this variant is likely to be disruptive. In summary, the available evidence is currently insufficient to determine the role of this variant in disease. Therefore, it has been classified as a Variant of Uncertain Significance.